The following continues an entry in ClinVar:

NM_000142.5(FGFR3):c.1118A>G (p.Tyr373Cys)

Gene: FGFR3. ClinVar aggregate classification (germline): Pathogenic. Pathogenic (22). ClinVar aggregate classification (oncogenicity): Oncogenic.

Submissions 10 to 23 of 27:

ARUP Laboratories, Molecular Genetics and Genomics, ARUP Laboratories
Classification: Pathogenic. Last evaluated: 2024-11-25. Review status: criteria provided, single submitter. Criteria: ARUP Molecular Germline Variant Investigation Process 2024. Collection method: clinical testing. Allele origin: germline.
Comment: The FGFR3 c.1118A>G; p.Tyr373Cys variant (rs121913485) is reported in the literature in multiple individuals affected with thanatophoric dwarfism (Brodie 1999, Rousseau 1996), and it was identified in a cohort of fetal skeletal dysplasia patients (Carass 2014). This variant is reported in ClinVar (Variation ID: 16342), and it is also absent from the Genome Aggregation Database, indicating it is not a common polymorphism. Furthermore, a mouse model of the p.Tyr373Cys variant displays features similar to achondroplasia (Di Rocco 2014, Lorget 2012) and in vitro studies performed on the p.Tyr373Cys variant in human chondrocytes show decreased proliferation (Krejci 2008). The tyrosine at codon 373 is moderately conserved, and computational analyses predict that this variant is deleterious (REVEL: 0.800). Based on available information, this variant is considered to be pathogenic. References: Brodie SG et al. Platyspondylic lethal skeletal dysplasia, San Diego type, is caused by FGFR3 mutations. Am J Med Genet. 1999 Jun 11;84(5):476-80. PMID: 10360402. Carss et al. Exome sequencing improves genetic diagnosis of structural fetal abnormalities revealed by ultrasound. Hum Mol Genet. 2014; 23(12):3269-3277. PMID: 24476948. Di Rocco et al. FGFR3 mutation causes abnormal membranous ossification in achondroplasia. Hum Mol Genet. 2014; 23(11):2914-2925. PMID: 24419316. Krejci et al. Analysis of STAT1 Activation by Six FGFR3 Mutants Associated with Skeletal Dysplasia Undermines Dominant Role of STAT1 in FGFR3 Signaling in Cartilage. PLoS One. 2008;3(12):e3961. PMID: 19088846. Lorget F et al. Evaluation of the therapeutic potential of a CNP analog in a Fgfr3 mouse model recapitulating achondroplasia. Am J Hum Genet. 2012 Dec 7;91(6):1108-14. PMID: 23200862. Rousseau et al. Missense FGFR3 mutations create cysteine residues in thanatophoric dwarfism type I (TD1). Hum Mol Genet. 1996; 5(4):509-512. PMID: 8845844.

New York Genome Center
Classification: Pathogenic for Thanatophoric dysplasia type 1. Last evaluated: 2024-11-08. Review status: criteria provided, single submitter. Criteria: NYGC Assertion Criteria 2020. Collection method: clinical testing. Allele origin: de novo. Affected: yes. Observed: 1 variant allele, 1 heterozygote.
Comment: The c.1118A>G variant in FGFR3 is one of the most common FGFR3 variants identified in individuals with Thanatophoric Dysplasia, type I [PMID: 8845844, 9843049,24419316, 25614871, 20301540, 24476948, 29593476, 32596782] and is deposited in ClinVar as Pathogenic by multiple submitters with affected status provided [Variation ID: 16342]. The c.1118A>G variant is absent from population databases (gnomAD v4.1.0, TOPMed Freeze 8, All of Us), suggesting it is not a common benign variant in the populations represented in those databases. The c.1118A>G variant in FGFR3 is located in exon 9 of this 18-exon gene and is predicted to replace a highly conserved tyrosine amino acid with cysteine at position 373 in the transmembrane domain of the encoded protein [PMID: 22045636]. In silico predictions are in favor of a damaging effect for the p.(Tyr373Cys) variant [REVEL=0.8]; and a mouse model with the p.(Tyr373Cys) variant recapitulated achondroplasia-related clinical features [PMID: 23200862]. Based on available evidence this heterozygous apparently de novo c.1118A>G p.(Tyr373Cys) variant identified in FGFR3 is classified as Pathogenic.

Blueprint Genetics
Classification: Pathogenic for FGFR3-related disorders. Last evaluated: 2024-09-16. Review status: criteria provided, single submitter. Criteria: ACMG Guidelines, 2015. Collection method: clinical testing. Allele origin: germline. Affected: yes. Observed: 5 variant alleles.

Department of Genetics, Sultan Qaboos University Hospital
Classification: Pathogenic for Thanatophoric dysplasia type 1. Last evaluated: 2024-06-12. Review status: criteria provided, single submitter. Criteria: ACMG Guidelines, 2015. Collection method: curation. Allele origin: unknown. Affected: yes.

Medical Genetics and Prenatal Diagnosis Center, Guangxi Academy of Medical Sciences and the People’s Hospital of Guangxi Zhuang Autonomous Region
Classification: Pathogenic for Achondroplasia. Last evaluated: 2023-07-01. Review status: criteria provided, single submitter. Criteria: ACMG Guidelines, 2015. Collection method: clinical testing. Allele origin: de novo. Affected: yes.
Comment: NM_000142.5(FGFR3):c.1118A>G is a missense mutation predicted to affect gene function. This variant is a de novo mutation validated by family analysis; literature reports detect this variant as de novo in one patient [PMID:24476948] (PS2_VeryStrong); Literature reports indicate functional studies suggest this variant causes impaired gene function [PMID:24419316] (PS3); the variant has been detected in more than 15 patients in the literature [PMID:8845844;9843049;19789973; 24476948;25614871;28249712;29593476] (PS4); Predictions from multiple statistical methods (REVEL) indicate this variant causes a deleterious effect on the gene or its product (PP3); This variant was not detected in the 1000 Genomes Project (1000G), the China Genome Database, the Human Exome Atlas (ExAC), or the Genomic Adverse Event Database (gnomAD) (PM2_Supporting); this known variant is classified as DM in the HGMD database [PMID:8845844;19088846; 19789973;22045636;23200862]. In summary, based on the evidence presented and in accordance with the ACMG Guidelines, 2015 (PMID: 25741868), the above evidence supports a pathogenic variant in Achondroplasia, classified as PS2_VeryStrong, PS3, PS4, PP3, PM2_Supporting.

Genetics and Molecular Pathology, SA Pathology
Classification: Pathogenic for Thanatophoric dysplasia type 1. Last evaluated: 2021-11-22. Review status: criteria provided, single submitter. Criteria: ACMG Guidelines, 2015. Collection method: clinical testing. Allele origin: germline. Inheritance: Autosomal dominant inheritance. Affected: yes.
Comment: The FGFR3 c.1118A>G variant is a single nucleotide change in exon 9/18 of the FGFR3 gene, which is predicted to change the amino acid tyrosine at position 373 in the protein to cysteine. This variant is absent from population databases (PM2), but has been reported numerous times in the literature in association with Thanatophoric dwarfism and Achondroplasia (e.g. PMID: 8845844, 24476948, 28249712) (PS4). It is the second most common cause of this condition (PMID:25614871). The variant has been reported as Pathogenic by other diagnostic laboratories (ClinVar Variation ID: 16342) and is listed in HGMD as disease causing (CM960657). Computational predictions support a deleterious effect on the gene or gene product (PP3). Functional studies reproducing the equivalent variant in mouse models mirrored the clinical presentation seen in humans (Lorget et al 2012 PMID: 23200862) (PS3).

Medical Genetics Center, Maternal and Child Health Hospital of Hubei Province
Classification: Pathogenic for Thanatophoric dysplasia type 1. Last evaluated: 2021-04-16. Review status: criteria provided, single submitter. Criteria: ACMG Guidelines, 2015. Collection method: clinical testing. Allele origin: de novo. Affected: yes.

Institute of Medical Genetics and Applied Genomics, University Hospital Tübingen
Classification: Pathogenic. Last evaluated: 2020-10-23. Review status: criteria provided, single submitter. Criteria: ACMG Guidelines, 2015. Collection method: clinical testing. Allele origin: germline. Inheritance: Autosomal unknown. Affected: yes.

Revvity Omics, Revvity
Classification: Pathogenic. Last evaluated: 2020-05-25. Review status: criteria provided, single submitter. Criteria: ACMG Guidelines, 2015. Collection method: clinical testing. Allele origin: germline.

GeneDx
Classification: Pathogenic. Last evaluated: 2020-04-24. Review status: criteria provided, single submitter. Criteria: GeneDx Variant Classification Process June 2021. Collection method: clinical testing. Allele origin: germline. Affected: yes.
Comment: Published functional studies indicate that the Y373C variant causes increased activation of the receptor in the absence of the ligand (Ronchetti et al., 2001; Qi et al., 2014); Not observed in large population cohorts (Lek et al., 2016); In silico analysis, which includes protein predictors and evolutionary conservation, supports a deleterious effect; This variant is associated with the following publications: (PMID: 21273588, 19331127, 11851976, 9843049, 30692697, 8845844, 30712878, 25606676, 24419316, 24476948, 22045636, 11429702, 24657641, 19088846, 23200862, 17509076, 17320202, 14715624, 11526491, 26858415, 29593476, 28249712, 19789973, 9438390, 31299979)

Eurofins Ntd Llc (ga)
Classification: Pathogenic. Last evaluated: 2018-03-02. Review status: criteria provided, single submitter. Criteria: EGL ClinVar v180209 classification definitions. Collection method: clinical testing. Allele origin: germline. Observed: 2 variant alleles, 2 heterozygotes.

Clinical Genetics and Genomics, Karolinska University Hospital
Classification: Pathogenic. Last evaluated: 2017-01-25. Review status: criteria provided, single submitter. Criteria: ACMG Guidelines, 2015. Collection method: clinical testing. Allele origin: germline. Affected: yes. Observed: 1 variant allele.

Juno Genomics, Hangzhou Juno Genomics, Inc
Classification: Pathogenic for Thanatophoric dysplasia type 1. Review status: criteria provided, single submitter. Criteria: ACMG Guidelines, 2015. Collection method: clinical testing. Allele origin: germline. Affected: yes.
Comment: Absent from controls (or at extremely low frequency if recessive) in Genome Aggregation Database, Exome Sequencing Project, 1000 Genomes Project, or Exome Aggregation Consortium.;De novo (both maternity and paternity confirmed) in a patient with the disease and no family history.;Well-established in vitro or in vivo functional studies supportive of a damaging effect on the gene or gene product.;The prevalence of the variant in affected individuals is significantly increased compared to the prevalence in controls.

Kasturba Medical College, Manipal, Kasturba Medical College, Manipal, Manipal Academy of Higher Education, Manipal, India
Classification: Pathogenic for Thanatophoric dysplasia type 1. Review status: criteria provided, single submitter. Criteria: ACMG Guidelines, 2015. Collection method: clinical testing. Allele origin: de novo. Inheritance: Autosomal dominant inheritance. Affected: yes.